The following is an entry in ClinVar:

NC_000017.10:g.(?_17129480)_(17140502_?)del

Gene: FLCN (folliculin; minus strand). Cytogenetic location: 17p11.2.
Variant type: Deletion.
Identifiers: ClinVar variation 3242946 (VCV003242946.1).

ClinVar aggregate classification (germline): Pathogenic (1 of 4 stars; one submission).

Conditions:
Birt-Hogg-Dube syndrome. Also called: Birt Hogg Dubé syndrome. Identifiers: Orphanet 122, MedGen C0346010, MONDO:0800444.

Submission:

Labcorp Genetics (formerly Invitae), Labcorp
Classification: Pathogenic for Birt-Hogg-Dube syndrome. Last evaluated: 2023-05-11. Review status: criteria provided, single submitter. Criteria: Invitae Variant Classification Sherloc (09022015). Collection method: clinical testing. Allele origin: unknown.
Comment: For these reasons, this variant has been classified as Pathogenic. This variant has not been reported in the literature in individuals affected with FLCN-related conditions. This variant is a gross deletion of the genomic region encompassing exon(s) 1-5 of the FLCN gene, which includes the initiator codon. This deletion extends beyond the assayed region for this gene and therefore may encompass additional genes. It is expected to result in an absent or disrupted protein product. Loss-of-function variants in FLCN are known to be pathogenic (PMID: 15852235).

Literature cited by the submitters: PubMed 15852235.